The following continues an entry in ClinVar:

NM_004612.4(TGFBR1):c.1460G>A (p.Arg487Gln)

Gene: TGFBR1. ClinVar aggregate classification (germline): Pathogenic. Pathogenic (13).

Submissions 10 to 16 of 16:

Victorian Clinical Genetics Services, Murdoch Childrens Research Institute
Classification: Pathogenic for Loeys-Dietz syndrome 1. Last evaluated: 2021-05-06. Review status: criteria provided, single submitter. Criteria: ACMG Guidelines, 2015. Collection method: clinical testing. Allele origin: germline. Inheritance: Autosomal dominant inheritance. Affected: yes.
Comment: Based on the classification scheme VCGS_Germline_v1.3.4, this variant is classified as Pathogenic. Following criteria are met: 0102 - Loss of function is a known mechanism of disease in this gene. In addition, missense variants have been postulated to exert a dominant negative effect. Both mechanisms are associated with Loeys-Dietz syndrome (MIM#609192) (PMID: 30701076). (I) 0107 - This gene is associated with autosomal dominant disease. (I) 0200 - Variant is predicted to result in a missense amino acid change from arginine to glutamine. (I) 0251 - This variant is heterozygous. (I) 0302 - Variant is present in gnomAD <0.001 for a dominant condition (v3: 1 heterozygote, 0 homozygotes). (SP) 0502 - Missense variant with conflicting in silico predictions and uninformative conservation. (I) 0602 - Variant is located in a hotspot region or cluster of pathogenic variants. Several pathogenic variants have been reported for codons 486 and 487 (ClinVar, DECIPHER). (SP) 0801 - This variant has strong previous evidence of pathogenicity in unrelated individuals. It has been identified in at least ten patients with Loeys-Dietz syndrome, with a single case of maternal mosaicism (Clinvar; PMID: 16928994, 16791849, 22113417, 25116393, 30219046). (SP) Legend: (SP) - Supporting pathogenic, (I) - Information, (SB) - Supporting benign

Blueprint Genetics
Classification: Pathogenic for TGFBR1-related disorders. Last evaluated: 2020-12-01. Review status: criteria provided, single submitter. Criteria: ACMG Guidelines, 2015. Collection method: clinical testing. Allele origin: germline. Affected: yes. Observed: 2 variant alleles.

Center for Human Genetics, Inc
Classification: Pathogenic for Familial thoracic aortic aneurysm and aortic dissection. Last evaluated: 2016-11-01. Review status: criteria provided, single submitter. Criteria: ACMG Guidelines, 2015. Collection method: clinical testing. Allele origin: germline. Affected: yes.

Laboratory for Molecular Medicine, Mass General Brigham Personalized Medicine
Classification: Pathogenic for Loeys-Dietz syndrome; Familial thoracic aortic aneurysm and aortic dissection. Last evaluated: 2014-08-19. Review status: criteria provided, single submitter. Criteria: LMM Criteria. Collection method: clinical testing. Allele origin: germline. Observed: 2 variant alleles.
Comment: The Arg487Gln variant (TGFBR1) has been reported in the literature in six indivi duals with clinical features of Loeys-Dietz syndrome, with de novo occurrence of the variant confirmed in two of the probands (Loeys 2006, Matyas 2006, Melenovs ky 2008, Yang 2012). In addition, functional analyses revealed that the mutant p rotein alters the normal function of the TGFBR1 protein (Barnett 2011, Goudie 20 11). In summary, this variant meets our criteria to be classified as pathogenic based upon de novo occurrence in symptomatic ind ividuals and observed functional effect of the variant.

PreventionGenetics, part of Exact Sciences
Classification: Pathogenic for TGFBR1-related condition. Last evaluated: 2024-08-14. Review status: no assertion criteria provided. Collection method: clinical testing. Allele origin: germline. Not counted in ClinVar's aggregate classification.
Comment: The TGFBR1 c.1460G>A variant is predicted to result in the amino acid substitution p.Arg487Gln. This variant has been reported in individuals with Loeys-Dietz syndrome type 1 and thoracic aortic aneurysms and dissections (TAAD) (Matyas et al. 2006. PubMed ID: 16791849; Melenovsky et al. 2008. PubMed ID: 18455604; Yang et al. 2011. PubMed ID: 22113417). This variant, in addition to other variants impacting this same amino acid (p.Arg487Trp and p.Arg487Gly) have been reported in individuals with allergic disease, however specific details were not provided (Supplementary Table 1, Frischmeyer-Guerrerio et al. 2013. PubMed ID: 23884466). In addition, other variants impacting the p.Arg487 amino acid have been reported in individuals with Loeys-Dietz syndrome type 1 (p.Arg487Trp, Loeys et al. 2006. PubMed ID: 16928994; p.Arg487Pro, Loeys et al. 2005. PubMed ID: 15731757). Functional studies have shown that this variant impacts TGFBR1 protein function (Goudie et al. 2011. PubMed ID: 21358634). This variant has not been reported in a large population database, indicating this variant is rare. This variant is interpreted as pathogenic.

OMIM
Classification: Pathogenic for LOEYS-DIETZ SYNDROME 1. Last evaluated: 2006-08-01. Review status: no assertion criteria provided. Collection method: literature only. Allele origin: germline. Not counted in ClinVar's aggregate classification.

Pediatric Cardiology, West China Second University Hospital, Sichuan University
Classification: Pathogenic for Loeys-Dietz syndrome 1. Review status: no assertion criteria provided. Collection method: clinical testing. Allele origin: germline. Inheritance: Autosomal dominant inheritance. Affected: yes. Not counted in ClinVar's aggregate classification.

Literature cited by the submitters: PubMed 16928994 (cited by 6 submitters); PubMed 16791849 (cited by 7 submitters); PubMed 21267002 (cited by 3 submitters); PubMed 17652900 (cited by Women's Health and Genetics/Laboratory Corporation of America, LabCorp and Ambry Genetics); PubMed 22113417 (cited by 6 submitters); PubMed 21358634 (cited by 4 submitters); PubMed 18455604 (cited by 3 submitters); PubMed 23884466 (cited by Labcorp Genetics (formerly Invitae), Labcorp and Ambry Genetics); PubMed 15731757 (cited by Labcorp Genetics (formerly Invitae), Labcorp and 3billion); PubMed 22414221 (cited by Labcorp Genetics (formerly Invitae), Labcorp); PubMed 25110237 (cited by Labcorp Genetics (formerly Invitae), Labcorp and 3billion); PubMed 25589165 (cited by 3billion and Ambry Genetics); PubMed 24931266 (cited by Ambry Genetics); PubMed 25116393 (cited by Ambry Genetics and Victorian Clinical Genetics Services, Murdoch Childrens Research Institute); PubMed 30219046 (cited by Victorian Clinical Genetics Services, Murdoch Childrens Research Institute); PubMed 30701076 (cited by Victorian Clinical Genetics Services, Murdoch Childrens Research Institute).